The following is an entry in ClinVar:

ClinVar aggregate classification (germline): Uncertain significance. Review status: criteria provided, multiple submitters, no conflicts (2 of 4 stars). 2 submissions from 2 submitters: Uncertain significance (2). Last evaluated 2023-01-28.

Conditions:
Hereditary cancer-predisposing syndrome. Also called: Tumor predisposition; Neoplastic Syndromes, Hereditary; Hereditary neoplastic syndrome; Hereditary Cancer Syndrome. Identifiers: Orphanet 140162, MedGen C0027672, MeSH D009386, MONDO:0015356.
Familial cancer of breast. Also called: Hereditary breast cancer; BREAST CANCER, FAMILIAL; hereditary breast carcinoma. Identifiers: Orphanet 227535, MedGen C0346153, MONDO:0016419, OMIM 114480. Disease mechanism: loss of function.

gnomAD v4.1: 3 of 1,592,348 alleles (0.00019%); highest among the groups gnomAD compares: Non-Finnish European, 0.00026%; no homozygotes.

Submissions (2):

Labcorp Genetics (formerly Invitae), Labcorp
Classification: Uncertain significance for Familial cancer of breast. Last evaluated: 2023-01-28. Review status: criteria provided, single submitter. Criteria: Invitae Variant Classification Sherloc (09022015). Collection method: clinical testing. Allele origin: germline.
Comment: This sequence change replaces serine, which is neutral and polar, with cysteine, which is neutral and slightly polar, at codon 16 of the BARD1 protein (p.Ser16Cys). This variant is not present in population databases (gnomAD no frequency). This variant has not been reported in the literature in individuals affected with BARD1-related conditions. ClinVar contains an entry for this variant (Variation ID: 1017683). Algorithms developed to predict the effect of missense changes on protein structure and function are either unavailable or do not agree on the potential impact of this missense change (SIFT: "Deleterious"; PolyPhen-2: "Probably Damaging"; Align-GVGD: "Class C0"). In summary, the available evidence is currently insufficient to determine the role of this variant in disease. Therefore, it has been classified as a Variant of Uncertain Significance.

Ambry Genetics
Classification: Uncertain significance for Hereditary cancer-predisposing syndrome. Last evaluated: 2022-01-29. Review status: criteria provided, single submitter. Criteria: Ambry Variant Classification Scheme 2023. Collection method: clinical testing. Allele origin: germline.
Comment: The p.S16C variant (also known as c.47C>G), located in coding exon 1 of the BARD1 gene, results from a C to G substitution at nucleotide position 47. The serine at codon 16 is replaced by cysteine, an amino acid with dissimilar properties. This amino acid position is conserved. In addition, the in silico prediction for this alteration is inconclusive. Since supporting evidence is limited at this time, the clinical significance of this alteration remains unclear.

NM_000465.4(BARD1):c.47C>G (p.Ser16Cys)

Gene: BARD1 (BRCA1 associated RING domain 1; minus strand). Cytogenetic location: 2q35.
Variant type: single nucleotide variant.
Coding change: c.47C>G on transcript NM_000465.4 (MANE Select); coding-DNA position 47, C replaced by G.
Protein change: p.Ser16Cys; replaces serine 16 with cysteine.
Molecular consequence: missense variant. On other transcripts: non-coding transcript variant (3).
Genome position (GRCh38, 1-based): chr2:214,809,523, G>C on the plus strand (C>G on the coding strand, the complement: BARD1 is on the minus strand). VCF-style: chr2-214809523-G-C. GRCh37 (hg19) VCF-style: chr2-215674247-G-C.
Other names: c.47C>G, p.Ser16Cys (NM_001282543.2, NM_001282545.2, NM_001282548.2 and 1 more transcripts); short protein forms S16C.
Identifiers: ClinVar variation 1017683 (VCV001017683.12), dbSNP rs1326565823, ClinGen allele CA350465278.
Genomic context (GRCh38, chr2:214,809,523, plus strand): 5'-TGGGCCCAGGCACCGCGACCATCCGGTTCCATGGCGGGCGCGGAACGAGGCTCGTTCCCG[G>C]AGCGGATCCTCGGCTGCCGGTTCCTCGGCTGCCGATTATCCGGCATCGTCCCGCCTTCGG-3'
Protein context (NP_000456.2, residues 6-26): QPRNRQPRIR[Ser16Cys]GNEPRSAPAM